The following is an entry in ClinVar:

NM_024422.6(DSC2):c.267G>A (p.Ser89=)

Gene: DSC2 (desmocollin 2; minus strand). Cytogenetic location: 18q12.1.
Variant type: single nucleotide variant.
Coding change: c.267G>A on transcript NM_024422.6 (MANE Select); coding-DNA position 267, G replaced by A.
Protein change: p.Ser89=; no amino-acid change (serine 89 retained).
Molecular consequence: synonymous variant.
Genome position (GRCh38, 1-based): chr18:31,092,188, C>T on the plus strand (G>A on the coding strand, the complement: DSC2 is on the minus strand). VCF-style: chr18-31092188-C-T. GRCh37 (hg19) VCF-style: chr18-28672151-C-T.
Other names: c.267G>A, p.Ser89= (NM_004949.5).
Identifiers: ClinVar variation 46185 (VCV000046185.11), dbSNP rs201363937, ClinGen allele CA022761.

ClinVar aggregate classification (germline): Conflicting classifications of pathogenicity. Review status: criteria provided, conflicting classifications (1 of 4 stars). 5 submissions from 5 submitters: Uncertain significance (2); Likely benign (3). Last evaluated 2026-01-09.

Conditions:
Cardiovascular phenotype. Identifiers: MedGen CN230736.
Familial isolated arrhythmogenic right ventricular dysplasia. Identifiers: Orphanet 217656, MedGen C4274968, MONDO:0016342.
Cardiomyopathy (CMYO). Also called: Cardiomyopathies. Identifiers: Orphanet 167848, MedGen C0878544, MONDO:0004994, HP:0001638. Inheritance: Various modes of inheritance.
Arrhythmogenic right ventricular dysplasia 11. Also called: ARRHYTHMOGENIC RIGHT VENTRICULAR DYSPLASIA, FAMILIAL, 11; Arrhythmogenic right ventricular dysplasia 11 with mild palmoplantar keratoderma and woolly hair; Arrhythmogenic Right Ventricular Dysplasia/Cardiomyopathy11. Identifiers: MedGen C1864850, MONDO:0012506, OMIM 610476.

Allele frequency attached by ClinVar (database versions not stated): ExAC 0.00002; TOPMed 0.00002; gnomAD 0.00001; gnomAD exomes 0.00001; ESP Exome Variant Server 0.00008.
gnomAD v4.1: 12 of 1,613,446 alleles (0.00074%); highest among the groups gnomAD compares: Non-Finnish European, 0.001%; no homozygotes.

Submissions (5):

Labcorp Genetics (formerly Invitae), Labcorp
Classification: Likely benign for Arrhythmogenic right ventricular dysplasia 11. Last evaluated: 2026-01-09. Review status: criteria provided, single submitter. Criteria: Invitae Variant Classification Sherloc (09022015). Collection method: clinical testing. Allele origin: germline.

Ambry Genetics
Classification: Uncertain significance for Cardiovascular phenotype. Last evaluated: 2025-06-05. Review status: criteria provided, single submitter. Criteria: Ambry Variant Classification Scheme 2023. Collection method: clinical testing. Allele origin: germline.
Comment: The c.267G>A variant (also known as p.S89S), located in coding exon 3 of the DSC2 gene, results from a G to A substitution at nucleotide position 267. This nucleotide substitution does not change the amino acid at codon 89. This nucleotide position is poorly conserved in available vertebrate species. In silico splice site analysis for this alteration is inconclusive. Based on the available evidence, the clinical significance of this variant remains unclear.

Color Diagnostics, LLC DBA Color Health
Classification: Likely benign for Cardiomyopathy. Last evaluated: 2024-01-22. Review status: criteria provided, single submitter. Criteria: ACMG Guidelines, 2015. Collection method: clinical testing. Allele origin: germline.

All of Us Research Program, National Institutes of Health
Classification: Uncertain significance for Familial isolated arrhythmogenic right ventricular dysplasia. Last evaluated: 2023-11-16. Review status: criteria provided, single submitter. Criteria: ACMG Guidelines, 2015. Collection method: clinical testing. Allele origin: germline. Inheritance: Autosomal dominant inheritance. Observed: 3 variant alleles, 3 heterozygotes.
Comment: This variant is located in the DSC2 protein. To our knowledge, functional studies have not been reported for this variant. This variant has not been reported in individuals affected with DSC2-related disorders in the literature. This variant has been identified in 2/250864 chromosomes in the general population by the Genome Aggregation Database (gnomAD). The available evidence is insufficient to determine the role of this variant in disease conclusively. Therefore, this variant is classified as a Variant of Uncertain Significance.

This study involves interpretation of variants in research participants for the purpose of population health screening. Participant phenotype was not available at the time of variant classification. Additional details can be found in publication PMID: 35346344, PMCID: PMC8962531

Laboratory for Molecular Medicine, Mass General Brigham Personalized Medicine
Classification: Likely benign. Last evaluated: 2012-03-19. Review status: criteria provided, single submitter. Criteria: LMM Criteria. Collection method: clinical testing. Allele origin: germline. Observed: 1 variant allele.
Comment: p.Ser89Ser in Exon 03 of DSC2: This variant is not expected to have clinical sig nificance because it does not alter an amino acid residue, is not located within the splice consensus sequence. It has been identified in 1/7018 European Americ an chromosomes from a broad population by the NHLBI Exome Sequencing Project.